The following is an entry in ClinVar:

ClinVar aggregate classification (germline): Uncertain significance (1 of 4 stars; one submission).

Conditions:
Malignant hyperthermia, susceptibility to, 5 (MHS5). Also called: CACNA1S-Related Malignant Hyperthermia Susceptibility. Identifiers: Orphanet 423, MedGen C1866077, MONDO:0011163, OMIM 601887.
Hypokalemic periodic paralysis, type 1. Also called: HypoPP; Hypokalemic Periodic Paralysis Type 1 (AD). Identifiers: Orphanet 681, MedGen C3714580, MONDO:0042979, OMIM 170400.

Allele frequency attached by ClinVar (database versions not stated): gnomAD exomes below 0.00001.
gnomAD v4.1: 3 of 1,613,888 alleles (0.00019%); highest among the groups gnomAD compares: South Asian, 0.0011%; no homozygotes.

Submission:

Labcorp Genetics (formerly Invitae), Labcorp
Classification: Uncertain significance for Hypokalemic periodic paralysis, type 1; Malignant hyperthermia, susceptibility to, 5. Last evaluated: 2023-04-07. Review status: criteria provided, single submitter. Criteria: Invitae Variant Classification Sherloc (09022015). Collection method: clinical testing. Allele origin: germline.
Comment: In summary, the available evidence is currently insufficient to determine the role of this variant in disease. Therefore, it has been classified as a Variant of Uncertain Significance. Advanced modeling of protein sequence and biophysical properties (such as structural, functional, and spatial information, amino acid conservation, physicochemical variation, residue mobility, and thermodynamic stability) performed at Invitae indicates that this missense variant is not expected to disrupt CACNA1S protein function. This variant has not been reported in the literature in individuals affected with CACNA1S-related conditions. This variant is not present in population databases (gnomAD no frequency). This sequence change replaces valine, which is neutral and non-polar, with glycine, which is neutral and non-polar, at codon 974 of the CACNA1S protein (p.Val974Gly).

NM_000069.3(CACNA1S):c.2921T>G (p.Val974Gly)

Gene: CACNA1S (calcium voltage-gated channel subunit alpha1 S; minus strand). Cytogenetic location: 1q32.1.
Variant type: single nucleotide variant.
Coding change: c.2921T>G on transcript NM_000069.3 (MANE Select); coding-DNA position 2921, T replaced by G.
Protein change: p.Val974Gly; replaces valine 974 with glycine.
Molecular consequence: missense variant.
Genome position (GRCh38, 1-based): chr1:201,062,076, A>C on the plus strand (T>G on the coding strand, the complement: CACNA1S is on the minus strand). VCF-style: chr1-201062076-A-C. GRCh37 (hg19) VCF-style: chr1-201031204-A-C.
Other names: short protein forms V974G.
Identifiers: ClinVar variation 2939321 (VCV002939321.3), dbSNP rs974247677, ClinGen allele CA344163718.